The following is an entry in ClinVar:

NM_199339.3(SPEM1):c.118A>G (p.Asn40Asp)

Gene: SPEM1 (spermatid maturation 1; plus strand). Cytogenetic location: 17p13.1.
Variant type: single nucleotide variant.
Coding change: c.118A>G on transcript NM_199339.3 (MANE Select); coding-DNA position 118, A replaced by G.
Protein change: p.Asn40Asp; replaces asparagine 40 with aspartic acid.
Molecular consequence: missense variant.
Genome position (GRCh38, 1-based): chr17:7,420,502, A>G. VCF-style: chr17-7420502-A-G. GRCh37 (hg19) VCF-style: chr17-7323821-A-G.
Other names: short protein forms N40D.
Identifiers: ClinVar variation 3234248 (VCV003234248.20), dbSNP rs183150632, ClinGen allele CA8346333.

ClinVar aggregate classification (germline): Likely benign (1 of 4 stars; one submission).

Allele frequency attached by ClinVar (database versions not stated): 1000 Genomes Project 0.00060; 1000 Genomes Project 30x 0.00078; ESP Exome Variant Server 0.00082; gnomAD 0.00102; ExAC 0.00120; gnomAD exomes 0.00123; TOPMed 0.00137.
gnomAD v4.1: 2,009 of 1,612,960 alleles (0.12%); highest among the groups gnomAD compares: Non-Finnish European, 0.12%; 2 homozygotes.

Submission:

CeGaT Center for Human Genetics Tuebingen
Classification: Likely benign. Last evaluated: 2024-04-01. Review status: criteria provided, single submitter. Criteria: CeGaT Center For Human Genetics Tuebingen Variant Classification Criteria Version 2. Collection method: clinical testing. Allele origin: germline. Affected: yes. Observed: 1 variant allele.
Comment: SPEM1: BS2